The following is an entry in ClinVar:

NM_004646.4(NPHS1):c.90del (p.Arg32fs)

Genes: KIRREL2 (kirre like nephrin family adhesion molecule 2; plus strand), NPHS1 (NPHS1 adhesion molecule, nephrin; minus strand). Cytogenetic location: 19q13.12.
Variant type: Deletion.
Coding change: c.90del on transcript NM_004646.4 (MANE Select); coding-DNA position 90, one base deleted (T; older notation c.90delT).
Protein change: p.Arg32fs; shifts the reading frame from arginine 32.
Molecular consequence: frameshift variant.
Genome position (GRCh38, 1-based): chr19:35,851,641, A deleted on the plus strand (T on the coding strand, the reverse complement: NPHS1 is on the minus strand); the first of 2 consecutive A bases (chr19:35,851,641-35,851,642); deleting either gives the same sequence. VCF-style (leftmost placement, unchanged base first): chr19-35851640-GA-G. GRCh37 (hg19) VCF-style: chr19-36342542-GA-G.
Other names: short protein forms R32fs.
Identifiers: ClinVar variation 1073424 (VCV001073424.7), dbSNP rs1321939270, ClinGen allele CA881813739.
Genomic context (GRCh38, chr19:35,851,640, plus strand): 5'-GCTCCACTGAGGCCCCCTCCACCACCGTCAGGTTTTCAGGCAGGGCCCAGAAGCCCCGGG[GA>G]ACGGAGGCAGGAATCGCCAACTGCGCCAGGCCTGAGGACACAGCGCGGTGCAAGGAAAGG-3'

ClinVar aggregate classification (germline): Pathogenic (1 of 4 stars; one submission).

Submission:

Labcorp Genetics (formerly Invitae), Labcorp
Classification: Pathogenic. Last evaluated: 2020-10-09. Review status: criteria provided, single submitter. Criteria: Invitae Variant Classification Sherloc (09022015). Collection method: clinical testing. Allele origin: germline.
Comment: This sequence change creates a premature translational stop signal (p.Arg32Glyfs*10) in the NPHS1 gene. It is expected to result in an absent or disrupted protein product. This variant is not present in population databases (ExAC no frequency). This variant has not been reported in the literature in individuals with NPHS1-related conditions. Loss-of-function variants in NPHS1 are known to be pathogenic (PMID: 11317351, 11854170, 12039988). For these reasons, this variant has been classified as Pathogenic.

Literature cited by the submitters: PubMed 11317351; PubMed 11854170; PubMed 12039988.